The following is an entry in ClinVar:

ClinVar aggregate classification (germline): Uncertain significance (1 of 4 stars; one submission).

Submission:

GeneDx
Classification: Uncertain significance. Last evaluated: 2025-04-17. Review status: criteria provided, single submitter. Criteria: GeneDx Variant Classification Process June 2021. Collection method: clinical testing. Allele origin: germline. Affected: yes.
Comment: Stop codon loss and change to a Proline codon, leading to protein extension and the addition of 50 amino acid(s) at the C-terminus; Not observed at significant frequency in large population cohorts (gnomAD); Has not been previously published as pathogenic or benign to our knowledge

NM_001005388.3(NFASC):c.3719_3720dup (p.Ter1241ProextTer?)

Gene: NFASC (neurofascin; plus strand). Cytogenetic location: 1q32.1.
Variant type: Duplication.
Coding change: c.3719_3720dup on transcript NM_001005388.3 (MANE Select); coding-DNA positions 3719 to 3720, 2 bases duplicated (CC; older notation c.3719_3720dupCC).
Protein change: p.Ter1241ProextTer?.
Molecular consequence: frameshift variant, stop lost.
Genome position (GRCh38, 1-based): chr1:205,016,535-205,016,536, CC duplicated. VCF-style (leftmost placement, unchanged base first): chr1-205016534-G-GCC. GRCh37 (hg19) VCF-style: chr1-204985662-G-GCC.
Other names: c.3566_3567dup, p.Ter1190ProextTer? (NM_001160331.2); c.3521_3522dup, p.Ter1175ProextTer? (NM_001160332.2); c.3185_3186dup, p.Ter1063ProextTer? (NM_001365986.1); c.4040_4041dup, p.Ter1348ProextTer? (NM_001378329.1); c.3506_3507dup, p.Ter1170ProextTer? (NM_015090.4).
Identifiers: ClinVar variation 4282170 (VCV004282170.1).